The following is an entry in ClinVar:

ClinVar aggregate classification (germline): Uncertain significance (1 of 4 stars; one submission).

Conditions:
Congenital primary aphakia. Also called: Anterior segment dysgenesis 2, multiple subtypes; ANTERIOR SEGMENT DYSGENESIS 2. Identifiers: Orphanet 83461, MedGen C1853230, MONDO:0012456, OMIM 610256.
Anterior segment dysgenesis. Also called: Ocular anterior segment dysgenesis. Identifiers: Orphanet 88632, MedGen C1862839, MONDO:0019503, HP:0007700.

Submission:

Labcorp Genetics (formerly Invitae), Labcorp
Classification: Uncertain significance for Anterior segment dysgenesis; Congenital primary aphakia. Last evaluated: 2024-10-22. Review status: criteria provided, single submitter. Criteria: Invitae Variant Classification Sherloc (09022015). Collection method: clinical testing. Allele origin: germline.
Comment: This sequence change affects codon 230 of the FOXE3 mRNA. It is a 'silent' change, meaning that it does not change the encoded amino acid sequence of the FOXE3 protein. This variant is not present in population databases (gnomAD no frequency). This variant has not been reported in the literature in individuals affected with FOXE3-related conditions. In summary, the available evidence is currently insufficient to determine the role of this variant in disease. Therefore, it has been classified as a Variant of Uncertain Significance.

NM_012186.3(FOXE3):c.690G>C (p.Ala230=)

Genes: FOXE3 (forkhead box E3; plus strand), LINC01389 (long independently transcribed non-coding RNA 1389; minus strand). Cytogenetic location: 1p33.
Variant type: single nucleotide variant.
Coding change: c.690G>C on transcript NM_012186.3 (MANE Select); coding-DNA position 690, G replaced by C.
Protein change: p.Ala230=; no amino-acid change (alanine 230 retained).
Molecular consequence: synonymous variant.
Genome position (GRCh38, 1-based): chr1:47,417,005, G>C. VCF-style: chr1-47417005-G-C. GRCh37 (hg19) VCF-style: chr1-47882677-G-C.
Identifiers: ClinVar variation 3759190 (VCV003759190.2).